The following is an entry in ClinVar:

ClinVar aggregate classification (germline): Uncertain significance (1 of 4 stars; one submission).

Allele frequency attached by ClinVar (database versions not stated): TOPMed 0.00003.
gnomAD v4.1: 6 of 1,549,630 alleles (0.00039%); highest among the groups gnomAD compares: Admixed American, 0.002%; no homozygotes.

Submission:

GeneDx
Classification: Uncertain significance. Last evaluated: 2022-02-22. Review status: criteria provided, single submitter. Criteria: GeneDx Variant Classification Process June 2021. Collection method: clinical testing. Allele origin: germline. Affected: yes.
Comment: Has not been previously published as pathogenic or benign to our knowledge; Not observed at significant frequency in large population cohorts (gnomAD); In silico analysis supports that this missense variant has a deleterious effect on protein structure/function

NM_001142864.4(PIEZO1):c.4297C>A (p.Pro1433Thr)

Gene: PIEZO1 (piezo type mechanosensitive ion channel component 1 (Er blood group); minus strand). Cytogenetic location: 16q24.3.
Variant type: single nucleotide variant.
Coding change: c.4297C>A on transcript NM_001142864.4 (MANE Select); coding-DNA position 4297, C replaced by A.
Protein change: p.Pro1433Thr; replaces proline 1433 with threonine.
Molecular consequence: missense variant.
Genome position (GRCh38, 1-based): chr16:88,723,909, G>T on the plus strand (C>A on the coding strand, the complement: PIEZO1 is on the minus strand). VCF-style: chr16-88723909-G-T. GRCh37 (hg19) VCF-style: chr16-88790317-G-T.
Other names: c.2839C>A, p.Pro947Thr (NM_014745.1); short protein forms P1433T, P947T.
Identifiers: ClinVar variation 1704711 (VCV001704711.2), dbSNP rs1024722811, ClinGen allele CA286411857.